The following is an entry in ClinVar:

ClinVar aggregate classification (germline): Uncertain significance. Review status: criteria provided, multiple submitters, no conflicts (2 of 4 stars). 2 submissions from 2 submitters: Uncertain significance (2). Last evaluated 2023-12-15.

Conditions:
Inborn genetic diseases. Identifiers: MedGen C0950123, MeSH D030342.

Allele frequency attached by ClinVar (database versions not stated): gnomAD exomes below 0.00001 and 0.00002; ExAC 0.00001; gnomAD 0.00001; TOPMed 0.00001.
gnomAD v4.1: 9 of 1,614,062 alleles (0.00056%); highest among the groups gnomAD compares: East Asian, 0.0067%; no homozygotes.

Submissions (2):

Ambry Genetics
Classification: Uncertain significance for Inborn genetic diseases. Last evaluated: 2023-12-15. Review status: criteria provided, single submitter. Criteria: Ambry Variant Classification Scheme 2023. Collection method: clinical testing. Allele origin: germline.

GeneDx
Classification: Uncertain significance. Last evaluated: 2019-11-08. Review status: criteria provided, single submitter. Criteria: GeneDx Variant Classification Process June 2021. Collection method: clinical testing. Allele origin: germline. Affected: yes.
Comment: Has not been previously published as pathogenic or benign to our knowledge; In silico analysis, which includes protein predictors and evolutionary conservation, supports that this variant does not alter protein structure/function

NM_001059.3(TACR3):c.445A>G (p.Ser149Gly)

Gene: TACR3 (tachykinin receptor 3; minus strand). Cytogenetic location: 4q24.
Variant type: single nucleotide variant.
Coding change: c.445A>G on transcript NM_001059.3 (MANE Select); coding-DNA position 445, A replaced by G.
Protein change: p.Ser149Gly; replaces serine 149 with glycine.
Molecular consequence: missense variant.
Genome position (GRCh38, 1-based): chr4:103,719,231, T>C on the plus strand (A>G on the coding strand, the complement: TACR3 is on the minus strand). VCF-style: chr4-103719231-T-C. GRCh37 (hg19) VCF-style: chr4-104640388-T-C.
Other names: short protein forms S149G.
Identifiers: ClinVar variation 1304692 (VCV001304692.3), dbSNP rs750591352, ClinGen allele CA3031124.
Genomic context (GRCh38, chr4:103,719,231, plus strand): 5'-CAGCTGTGATAGGAAAGAAGTTCTGGAAGCGGCAGTAGTTGGCGCCAAAGTACCACTCGC[T>C]ATGAAGCGCGTAGATGAAATTGACCAACGTGTTGAAGGCGGCCATGGAGGCGTCGGAGAA-3'
Protein context (NP_001050.1, residues 139-159): TLVNFIYALH[Ser149Gly]EWYFGANYCR